The following is an entry in ClinVar:

ClinVar aggregate classification (germline): Uncertain significance (1 of 4 stars; one submission).

Conditions:
Long QT syndrome (LQTS). Identifiers: MedGen C0023976, MeSH D008133, MONDO:0002442. Disease mechanism: loss of function. Inheritance: Various modes of inheritance.

Submission:

Labcorp Genetics (formerly Invitae), Labcorp
Classification: Uncertain significance for Long QT syndrome. Last evaluated: 2023-10-14. Review status: criteria provided, single submitter. Criteria: Invitae Variant Classification Sherloc (09022015). Collection method: clinical testing. Allele origin: germline.
Comment: This sequence change replaces glutamine, which is neutral and polar, with proline, which is neutral and non-polar, at codon 2274 of the AKAP9 protein (p.Gln2274Pro). This variant is not present in population databases (gnomAD no frequency). This variant has not been reported in the literature in individuals affected with AKAP9-related conditions. Algorithms developed to predict the effect of missense changes on protein structure and function output the following: SIFT: "Not Available"; PolyPhen-2: "Benign"; Align-GVGD: "Not Available". The proline amino acid residue is found in multiple mammalian species, which suggests that this missense change does not adversely affect protein function. In summary, the available evidence is currently insufficient to determine the role of this variant in disease. Therefore, it has been classified as a Variant of Uncertain Significance.

NM_005751.5(AKAP9):c.6821A>C (p.Gln2274Pro)

Gene: AKAP9 (A-kinase anchoring protein 9; plus strand). Cytogenetic location: 7q21.2.
Variant type: single nucleotide variant.
Coding change: c.6821A>C on transcript NM_005751.5 (MANE Select); coding-DNA position 6821, A replaced by C.
Protein change: p.Gln2274Pro; replaces glutamine 2274 with proline.
Molecular consequence: missense variant.
Genome position (GRCh38, 1-based): chr7:92,077,751, A>C. VCF-style: chr7-92077751-A-C. GRCh37 (hg19) VCF-style: chr7-91707065-A-C.
Other names: c.1466A>C, p.Gln489Pro (NM_001379277.1); c.6797A>C, p.Gln2266Pro (NM_147185.3); short protein forms Q2274P, Q489P, Q2266P.
Identifiers: ClinVar variation 2768446 (VCV002768446.3), dbSNP rs923767056, ClinGen allele CA368133655.